The following is an entry in ClinVar:

NM_003036.4(SKI):c.2152_*3dup (p.Ala717_Ter729=)

Gene: SKI (SKI proto-oncogene; plus strand). Cytogenetic location: 1p36.32.
Variant type: Duplication.
Coding change: c.2152_*3dup on transcript NM_003036.4 (MANE Select); coding-DNA position 2152 through 3 bases downstream of the stop codon, 39 bases duplicated.
Protein change: p.Ala717_Ter729=.
Molecular consequence: no sequence alteration.
Genome position (GRCh38, 1-based): chr1:2,306,730-2,306,768, 39 bases duplicated; duplicating any 39 consecutive bases within chr1:2,306,729-2,306,768 gives the same sequence; the c. name uses the placement nearest the transcript's 3' end. GRCh37 (hg19): chr1:2,238,169-2,238,207.
Identifiers: ClinVar variation 1481144 (VCV001481144.6), dbSNP rs1557854927, ClinGen allele CA916091720.

ClinVar aggregate classification (germline): Uncertain significance (1 of 4 stars; one submission).

Conditions:
Shprintzen-Goldberg syndrome (SGS). Also called: Marfanoid disorder with craniosynostosis type 1; Marfanoid craniosynostosis syndrome; Shprintzen-Goldberg marfanoid syndrome; SHPRINTZEN-GOLDBERG CRANIOSYNOSTOSIS SYNDROME; CRANIOSYNOSTOSIS WITH ARACHNODACTYLY AND ABDOMINAL HERNIAS. Identifiers: Orphanet 2462, MedGen C1321551, MONDO:0008426, OMIM 182212.

Submission:

Labcorp Genetics (formerly Invitae), Labcorp
Classification: Uncertain significance for Shprintzen-Goldberg syndrome. Last evaluated: 2025-10-13. Review status: criteria provided, single submitter. Criteria: Invitae Variant Classification Sherloc (09022015). Collection method: clinical testing. Allele origin: germline.
Comment: This variant occurs in a non-coding region of the SKI gene. It does not change the encoded amino acid sequence of the SKI protein. This variant is not present in population databases (gnomAD no frequency). This variant has not been reported in the literature in individuals affected with SKI-related conditions. ClinVar contains an entry for this variant (Variation ID: 1481144). Experimental studies and prediction algorithms are not available or were not evaluated, and the functional significance of this variant is currently unknown. In summary, the available evidence is currently insufficient to determine the role of this variant in disease. Therefore, it has been classified as a Variant of Uncertain Significance.